The following is an entry in ClinVar:

ClinVar aggregate classification (germline): Likely benign. Review status: reviewed by expert panel (3 of 4 stars). 3 submissions from 3 submitters: Likely benign (1). 2 of the submissions do not count toward it. Last evaluated 2017-06-29.

Conditions:
Hereditary cancer-predisposing syndrome. Also called: Hereditary neoplastic syndrome; Hereditary Cancer Syndrome; Neoplastic Syndromes, Hereditary; Tumor predisposition. Identifiers: Orphanet 140162, MedGen C0027672, MeSH D009386, MONDO:0015356.
Breast-ovarian cancer, familial, susceptibility to, 2 (BROVCA2). Also called: BRCA2 Hereditary Breast and Ovarian Cancer. Identifiers: Orphanet 145, MedGen C2675520, MONDO:0012933, OMIM 612555. Disease mechanism: loss of function.
Hereditary breast ovarian cancer syndrome. Also called: Hereditary breast and ovarian cancer syndrome; BRCA1- and BRCA2-Associated Hereditary Breast and Ovarian Cancer; Hereditary breast and/or ovarian cancer syndrome; Hereditary breast and ovarian cancer; Breast and ovarian cancer; Hereditary breast and ovarian cancer syndrome (HBOC). Identifiers: Orphanet 145, MedGen C0677776, MeSH D061325, MONDO:0003582. Disease mechanism: loss of function.

Allele frequency attached by ClinVar (database versions not stated): TOPMed below 0.00001.

Submissions (3):

Evidence-based Network for the Interpretation of Germline Mutant Alleles (ENIGMA)
Classification: Likely benign for Breast-ovarian cancer, familial, susceptibility to, 2. Last evaluated: 2017-06-29. Review status: reviewed by expert panel. Criteria: ENIGMA BRCA1/2 Classification Criteria (2017-06-29). Collection method: curation. Allele origin: germline.
Comment: Synonymous substitution variant, with low bioinformatic likelihood to result in a splicing aberration (Splicing prior probability 0.02).

Labcorp Genetics (formerly Invitae), Labcorp
Classification: Likely benign for Hereditary breast ovarian cancer syndrome. Last evaluated: 2025-06-10. Review status: criteria provided, single submitter. Criteria: Invitae Variant Classification Sherloc (09022015). Collection method: clinical testing. Allele origin: germline. Not counted in ClinVar's aggregate classification.

Ambry Genetics
Classification: Likely benign for Hereditary cancer-predisposing syndrome. Last evaluated: 2017-06-08. Review status: criteria provided, single submitter. Criteria: Ambry Variant Classification Scheme 2023. Collection method: clinical testing. Allele origin: germline. Not counted in ClinVar's aggregate classification.

NM_000059.4(BRCA2):c.1005A>G (p.Glu335=)

Gene: BRCA2 (BRCA2 DNA repair associated; plus strand). Cytogenetic location: 13q13.1.
Variant type: single nucleotide variant.
Coding change: c.1005A>G on transcript NM_000059.4 (MANE Select); coding-DNA position 1005, A replaced by G.
Protein change: p.Glu335=; no amino-acid change (glutamic acid 335 retained).
Molecular consequence: synonymous variant.
Genome position (GRCh38, 1-based): chr13:32,332,483, A>G. VCF-style: chr13-32332483-A-G. GRCh37 (hg19) VCF-style: chr13-32906620-A-G.
Identifiers: ClinVar variation 427377 (VCV000427377.16), dbSNP rs28897707, ClinGen allele CA247496425.
Genomic context (GRCh38, chr13:32,332,483, plus strand): 5'-TAGAACAAAAAATCTACAAAAAGTAAGAACTAGCAAGACTAGGAAAAAAATTTTCCATGA[A>G]GCAAACGCTGATGAATGTGAAAAATCTAAAAACCAAGTGAAAGAAAAATACTCATTTGTA-3'
Protein context (NP_000050.3, residues 325-345): TSKTRKKIFH[Glu335=]ANADECEKSK